The following is an entry in ClinVar:

NM_005215.4(DCC):c.549C>T (p.Ile183=)

Gene: DCC (DCC netrin 1 receptor; plus strand). Cytogenetic location: 18q21.2.
Variant type: single nucleotide variant.
Coding change: c.549C>T on transcript NM_005215.4 (MANE Select); coding-DNA position 549, C replaced by T.
Protein change: p.Ile183=; no amino-acid change (isoleucine 183 retained).
Molecular consequence: synonymous variant.
Genome position (GRCh38, 1-based): chr18:52,906,180, C>T. VCF-style: chr18-52906180-C-T. GRCh37 (hg19) VCF-style: chr18-50432550-C-T.
Identifiers: ClinVar variation 2648722 (VCV002648722.24), dbSNP rs1436906451, ClinGen allele CA503999364.
Genomic context (GRCh38, chr18:52,906,180, plus strand): 5'-CATTGGGGAGCCCATGCCAACAATCCACTGGCAGAAGAACCAACAAGACCTGACTCCAAT[C>T]CCAGGTGACTCCCGAGTGGTGGTCTTGCCCTCTGGAGCATTGCAGATCAGCCGACTCCAA-3'
Protein context (NP_005206.2, residues 173-193): WQKNQQDLTP[Ile183=]PGDSRVVVLP

ClinVar aggregate classification (germline): Likely benign (1 of 4 stars; one submission).

Allele frequency attached by ClinVar (database versions not stated): TOPMed below 0.00001.

Submission:

CeGaT Center for Human Genetics Tuebingen
Classification: Likely benign. Last evaluated: 2023-01-01. Review status: criteria provided, single submitter. Criteria: CeGaT Center For Human Genetics Tuebingen Variant Classification Criteria Version 2. Collection method: clinical testing. Allele origin: germline. Affected: yes. Observed: 1 variant allele.
Comment: DCC: PM2:Supporting, BP4, BP7